The following is an entry in ClinVar:

NM_005591.4(MRE11):c.216A>T (p.Leu72Phe)

Gene: MRE11 (MRE11 double strand break repair nuclease; minus strand). Cytogenetic location: 11q21.
Variant type: single nucleotide variant.
Coding change: c.216A>T on transcript NM_005591.4 (MANE Select); coding-DNA position 216, A replaced by T.
Protein change: p.Leu72Phe; replaces leucine 72 with phenylalanine.
Molecular consequence: missense variant.
Genome position (GRCh38, 1-based): chr11:94,486,022, T>A on the plus strand (A>T on the coding strand, the complement: MRE11 is on the minus strand). VCF-style: chr11-94486022-T-A. GRCh37 (hg19) VCF-style: chr11-94219188-T-A.
Other names: c.216A>T, p.Leu72Phe (NM_001330347.2, NM_005590.4); short protein forms L72F.
Identifiers: ClinVar variation 3874301 (VCV003874301.1).

ClinVar aggregate classification (germline): Uncertain significance (1 of 4 stars; one submission).

Conditions:
Hereditary cancer-predisposing syndrome. Also called: Tumor predisposition; Neoplastic Syndromes, Hereditary; Hereditary Cancer Syndrome; Hereditary neoplastic syndrome. Identifiers: Orphanet 140162, MedGen C0027672, MeSH D009386, MONDO:0015356.

Submission:

Ambry Genetics
Classification: Uncertain significance for Hereditary cancer-predisposing syndrome. Last evaluated: 2025-02-22. Review status: criteria provided, single submitter. Criteria: Ambry Variant Classification Scheme 2023. Collection method: clinical testing. Allele origin: germline.
Comment: The p.L72F variant (also known as c.216A>T), located in coding exon 3 of the MRE11A gene, results from an A to T substitution at nucleotide position 216. The leucine at codon 72 is replaced by phenylalanine, an amino acid with highly similar properties. This amino acid position is conserved. In addition, the in silico prediction for this alteration is inconclusive. Based on the available evidence, the clinical significance of this variant remains unclear.